The following is an entry in ClinVar:

NM_001048174.2(MUTYH):c.988T>C (p.Phe330Leu)

Gene: MUTYH (mutY DNA glycosylase; minus strand). Cytogenetic location: 1p34.1.
Variant type: single nucleotide variant.
Coding change: c.988T>C on transcript NM_001048174.2 (MANE Select); coding-DNA position 988, T replaced by C.
Protein change: p.Phe330Leu; replaces phenylalanine 330 with leucine.
Molecular consequence: missense variant. On other transcripts: non-coding transcript variant (2).
Genome position (GRCh38, 1-based): chr1:45,331,775, A>G on the plus strand (T>C on the coding strand, the complement: MUTYH is on the minus strand). VCF-style: chr1-45331775-A-G. GRCh37 (hg19) VCF-style: chr1-45797447-A-G.
Other names: c.988T>C, p.Phe330Leu (NM_001048171.2, NM_001048173.2, NM_001293195.2); c.991T>C, p.Phe331Leu (NM_001048172.2); c.1072T>C, p.Phe358Leu (NM_001128425.2); c.1033T>C, p.Phe345Leu (NM_001293190.2); c.1021T>C, p.Phe341Leu (NM_001293191.2); c.712T>C, p.Phe238Leu (NM_001293192.2, NM_001293196.2); c.643T>C, p.Phe215Leu (NM_001350650.2, NM_001350651.2); c.1063T>C, p.Phe355Leu (NM_012222.3); short protein forms F358L, F344L, F215L, F238L, F355L, F330L, F331L, F341L.
Identifiers: ClinVar variation 141246 (VCV000141246.23), dbSNP rs587781601, ClinGen allele CA012057.

ClinVar aggregate classification (germline): Conflicting classifications of pathogenicity. Review status: criteria provided, conflicting classifications (1 of 4 stars). 6 submissions from 6 submitters: Uncertain significance (4); Benign (1). 1 of the submissions does not count toward it. Last evaluated 2025-09-09.

Conditions:
Hereditary cancer-predisposing syndrome. Also called: Neoplastic Syndromes, Hereditary; Hereditary Cancer Syndrome; Tumor predisposition; Hereditary neoplastic syndrome. Identifiers: Orphanet 140162, MedGen C0027672, MeSH D009386, MONDO:0015356.
Familial adenomatous polyposis 2. Also called: MUTYH-associated polyposis; MUTYH Polyposis; FAP type 2; Adenomas, multiple colorectal; COLORECTAL ADENOMATOUS POLYPOSIS, AUTOSOMAL RECESSIVE; ADENOMAS, MULTIPLE COLORECTAL, AUTOSOMAL RECESSIVE. Identifiers: Orphanet 220460, Orphanet 247798, MedGen C3272841, MONDO:0012041, OMIM 608456.

Allele frequency attached by ClinVar (database versions not stated): TOPMed below 0.00001; gnomAD 0.00001; gnomAD exomes 0.00001 and 0.00002; ExAC 0.00002.
gnomAD v4.1: 8 of 1,613,698 alleles (0.0005%); highest among the groups gnomAD compares: East Asian, 0.018%; no homozygotes.

Submissions (6):

Ambry Genetics
Classification: Benign for Hereditary cancer-predisposing syndrome. Last evaluated: 2025-09-09. Review status: criteria provided, single submitter. Criteria: Ambry Variant Classification Scheme 2023. Collection method: clinical testing. Allele origin: germline.

Labcorp Genetics (formerly Invitae), Labcorp
Classification: Uncertain significance for Familial adenomatous polyposis 2. Last evaluated: 2025-03-17. Review status: criteria provided, single submitter. Criteria: Invitae Variant Classification Sherloc (09022015). Collection method: clinical testing. Allele origin: germline.
Comment: This sequence change replaces phenylalanine, which is neutral and non-polar, with leucine, which is neutral and non-polar, at codon 358 of the MUTYH protein (p.Phe358Leu). This variant is present in population databases (rs587781601, gnomAD 0.03%). This variant has not been reported in the literature in individuals affected with MUTYH-related conditions. ClinVar contains an entry for this variant (Variation ID: 141246). An algorithm developed to predict the effect of missense changes on protein structure and function (PolyPhen-2) suggests that this variant is likely to be tolerated. In summary, the available evidence is currently insufficient to determine the role of this variant in disease. Therefore, it has been classified as a Variant of Uncertain Significance.

All of Us Research Program, National Institutes of Health
Classification: Uncertain significance for Familial adenomatous polyposis 2. Last evaluated: 2024-03-05. Review status: criteria provided, single submitter. Criteria: ACMG Guidelines, 2015. Collection method: clinical testing. Allele origin: germline. Inheritance: Autosomal recessive inheritance. Observed: 1 variant allele, 1 heterozygote.
Comment: This missense variant replaces phenylalanine with leucine at codon 358 of the MUTYH protein. Computational prediction suggests that this variant may not impact protein structure and function (internally defined REVEL score threshold <= 0.5, PMID: 27666373). To our knowledge, functional studies have not been reported for this variant. This variant has not been reported in individuals affected with hereditary cancer in the literature. This variant has been identified in 5/248812 chromosomes in the general population by the Genome Aggregation Database (gnomAD). The available evidence is insufficient to determine the role of this variant in disease conclusively. Therefore, this variant is classified as a Variant of Uncertain Significance.

This study involves interpretation of variants in research participants for the purpose of population health screening. Participant phenotype was not available at the time of variant classification. Additional details can be found in publication PMID: 35346344, PMCID: PMC8962531

Color Diagnostics, LLC DBA Color Health
Classification: Uncertain significance for Hereditary cancer-predisposing syndrome. Last evaluated: 2020-09-09. Review status: criteria provided, single submitter. Criteria: ACMG Guidelines, 2015. Collection method: clinical testing. Allele origin: germline.
Comment: This missense variant replaces phenylalanine with leucine at codon 358 of the MUTYH protein. Computational prediction suggests that this variant may not impact protein structure and function (internally defined REVEL score threshold <= 0.5, PMID: 27666373). To our knowledge, functional studies have not been reported for this variant. This variant has not been reported in individuals affected with hereditary cancer in the literature. This variant has been identified in 5/248812 chromosomes in the general population by the Genome Aggregation Database (gnomAD). The available evidence is insufficient to determine the role of this variant in disease conclusively. Therefore, this variant is classified as a Variant of Uncertain Significance.

Quest Diagnostics Nichols Institute San Juan Capistrano
Classification: Uncertain significance. Last evaluated: 2018-03-22. Review status: criteria provided, single submitter. Criteria: Quest Diagnostics criteria. Collection method: clinical testing. Allele origin: germline.

Counsyl
Classification: Uncertain significance for Familial adenomatous polyposis 2. Last evaluated: 2016-05-23. Review status: no assertion criteria provided. Collection method: clinical testing. Allele origin: unknown. Not counted in ClinVar's aggregate classification.

Literature cited by the submitters: PubMed 40738107 (cited by Ambry Genetics).